The following is an entry in ClinVar:

NM_000069.3(CACNA1S):c.4715G>A (p.Arg1572His)

Gene: CACNA1S (calcium voltage-gated channel subunit alpha1 S; minus strand). Cytogenetic location: 1q32.1.
Variant type: single nucleotide variant.
Coding change: c.4715G>A on transcript NM_000069.3 (MANE Select); coding-DNA position 4715, G replaced by A.
Protein change: p.Arg1572His; replaces arginine 1572 with histidine.
Molecular consequence: missense variant.
Genome position (GRCh38, 1-based): chr1:201,044,410, C>T on the plus strand (G>A on the coding strand, the complement: CACNA1S is on the minus strand). VCF-style: chr1-201044410-C-T. GRCh37 (hg19) VCF-style: chr1-201013538-C-T.
Other names: short protein forms R1572H.
Identifiers: ClinVar variation 3386291 (VCV003386291.2).

ClinVar aggregate classification (germline): Uncertain significance. Review status: criteria provided, multiple submitters, no conflicts (2 of 4 stars). 2 submissions from 2 submitters: Uncertain significance (2). Last evaluated 2025-08-07.

Conditions:
Malignant hyperthermia, susceptibility to, 5 (MHS5). Also called: CACNA1S-Related Malignant Hyperthermia Susceptibility. Identifiers: Orphanet 423, MedGen C1866077, MONDO:0011163, OMIM 601887.

gnomAD v4.1: 8 of 1,613,416 alleles (0.0005%); highest among the groups gnomAD compares: East Asian, 0.0045%; no homozygotes.

Submissions (2):

Color Diagnostics, LLC DBA Color Health
Classification: Uncertain significance for Malignant hyperthermia, susceptibility to, 5. Last evaluated: 2025-08-07. Review status: criteria provided, single submitter. Criteria: ACMG Guidelines, 2015. Collection method: clinical testing. Allele origin: germline.
Comment: This missense variant replaces arginine with histidine at codon 1572 of the CACNA1S protein. Computational prediction suggests that this variant may have deleterious impact on protein structure and function. To our knowledge, functional studies have not been reported for this variant. This variant has not been reported in individuals affected with CACNA1S-related disorders in the literature. This variant has been identified in 2/250990 chromosomes in the general population by the Genome Aggregation Database (gnomAD). The available evidence is insufficient to determine the role of this variant in disease conclusively. Therefore, this variant is classified as a Variant of Uncertain Significance.

All of Us Research Program, National Institutes of Health
Classification: Uncertain significance for Malignant hyperthermia, susceptibility to, 5. Last evaluated: 2024-06-11. Review status: criteria provided, single submitter. Criteria: ACMG Guidelines, 2015. Collection method: clinical testing. Allele origin: germline. Inheritance: Autosomal dominant inheritance. Observed: 1 variant allele, 1 heterozygote.
Comment: This study involves interpretation of variants in research participants for the purpose of population health screening. Participant phenotype was not available at the time of variant classification. Additional details can be found in publication PMID: 35346344, PMCID: PMC8962531